The following is an entry in ClinVar:

NC_000008.11:g.(?_89935576)_(89981529_?)del

Genes: NBN (nibrin; minus strand), LOC126860438 (MED14-independent group 3 enhancer GRCh37_chr8:90959982-90961181; plus strand). Cytogenetic location: 8q21.3.
Variant type: Deletion.
Identifiers: ClinVar variation 530784 (VCV000530784.7).

ClinVar aggregate classification (germline): Pathogenic (1 of 4 stars; one submission).

Conditions:
Microcephaly, normal intelligence and immunodeficiency (NBS). Also called: Immunodeficiency, microcephaly with normal intelligence; Ataxia telangiectasia variant V1; IMMUNODEFICIENCY, MICROCEPHALY, AND CHROMOSOMAL INSTABILITY; BERLIN BREAKAGE SYNDROME; SEEMANOVA SYNDROME II; Nijmegen breakage syndrome. Identifiers: Orphanet 647, MedGen C0398791, MONDO:0009623, OMIM 251260.

Submission:

Labcorp Genetics (formerly Invitae), Labcorp
Classification: Pathogenic for Microcephaly, normal intelligence and immunodeficiency. Last evaluated: 2021-12-08. Review status: criteria provided, single submitter. Criteria: Invitae Variant Classification Sherloc (09022015). Collection method: clinical testing. Allele origin: germline.
Comment: For these reasons, this variant has been classified as Pathogenic. This variant disrupts a region of the NBN protein in which other variant(s) (Deletion (Exons 15-16)) have been determined to be pathogenic (PMID: 15048089, 15964794, 21035407, 22864661, 24894818, 26681312). This suggests that this is a clinically significant region of the protein, and that variants that disrupt it are likely to be disease-causing. This variant has not been reported in the literature in individuals affected with NBN-related conditions. This variant is a gross deletion of the genomic region encompassing exon(s) 3-16 of the NBN gene, which includes the termination codon. This deletion extends beyond the assayed region for this gene and therefore may encompass additional genes. While this deletion is not anticipated to lead to nonsense mediated decay, it is expected to alter mRNA translation or result in a truncated protein product.

Literature cited by the submitters: PubMed 15048089; PubMed 15964794; PubMed 21035407; PubMed 22864661; PubMed 24894818; PubMed 26681312.